The following is an entry in ClinVar:

ClinVar aggregate classification (germline): Likely pathogenic (1 of 4 stars; one submission).

Conditions:
Metachromatic leukodystrophy (MLD). Also called: Cerebral sclerosis diffuse metachromatic form; ARSA DEFICIENCY; CEREBROSIDE SULFATASE DEFICIENCY; SULFATIDE LIPIDOSIS; METACHROMATIC LEUKOENCEPHALOPATHY; Arylsulfatase A Deficiency. Identifiers: Orphanet 512, MedGen C0023522, MONDO:0018868, OMIM 250100.

Submission:

Labcorp Genetics (formerly Invitae), Labcorp
Classification: Likely pathogenic for Metachromatic leukodystrophy. Last evaluated: 2022-11-29. Review status: criteria provided, single submitter. Criteria: Invitae Variant Classification Sherloc (09022015). Collection method: clinical testing. Allele origin: germline.
Comment: This sequence change replaces glycine, which is neutral and non-polar, with cysteine, which is neutral and slightly polar, at codon 310 of the ARSA protein (p.Gly310Cys). This variant is not present in population databases (gnomAD no frequency). This variant has not been reported in the literature in individuals affected with ARSA-related conditions. In summary, the currently available evidence indicates that the variant is pathogenic, but additional data are needed to prove that conclusively. Therefore, this variant has been classified as Likely Pathogenic. This variant disrupts the p.Glu310 amino acid residue in ARSA. Other variant(s) that disrupt this residue have been determined to be pathogenic (PMID: 10477432). This suggests that this residue is clinically significant, and that variants that disrupt this residue are likely to be disease-causing. Advanced modeling of protein sequence and biophysical properties (such as structural, functional, and spatial information, amino acid conservation, physicochemical variation, residue mobility, and thermodynamic stability) performed at Invitae indicates that this missense variant is expected to disrupt ARSA protein function.

Literature cited by the submitters: PubMed 10477432.

NM_000487.6(ARSA):c.928G>T (p.Gly310Cys)

Gene: ARSA (arylsulfatase A; minus strand). Cytogenetic location: 22q13.33.
Variant type: single nucleotide variant.
Coding change: c.928G>T on transcript NM_000487.6 (MANE Select); coding-DNA position 928, G replaced by T.
Protein change: p.Gly310Cys; replaces glycine 310 with cysteine.
Molecular consequence: missense variant.
Genome position (GRCh38, 1-based): chr22:50,626,205, C>A on the plus strand (G>T on the coding strand, the complement: ARSA is on the minus strand). VCF-style: chr22-50626205-C-A. GRCh37 (hg19) VCF-style: chr22-51064633-C-A.
Other names: c.928G>T, p.Gly310Cys (NM_001085425.3, NM_001085426.3, NM_001085427.3); c.670G>T, p.Gly224Cys (NM_001085428.3, NM_001362782.2); short protein forms G310C, G224C.
Identifiers: ClinVar variation 2798956 (VCV002798956.3), dbSNP rs2518326996, ClinGen allele CA412174562.